The following is an entry in ClinVar:

NM_001330260.2(SCN8A):c.4880T>C (p.Ile1627Thr)

Gene: SCN8A (sodium voltage-gated channel alpha subunit 8; plus strand). Cytogenetic location: 12q13.13.
Variant type: single nucleotide variant.
Coding change: c.4880T>C on transcript NM_001330260.2 (MANE Select); coding-DNA position 4880, T replaced by C.
Protein change: p.Ile1627Thr; replaces isoleucine 1627 with threonine.
Molecular consequence: missense variant.
Genome position (GRCh38, 1-based): chr12:51,806,366, T>C. VCF-style: chr12-51806366-T-C. GRCh37 (hg19) VCF-style: chr12-52200150-T-C.
Other names: c.4757T>C, p.Ile1586Thr (NM_001177984.3, NM_001369788.1); c.4880T>C, p.Ile1627Thr (NM_014191.4); short protein forms I1586T, I1627T.
Identifiers: ClinVar variation 2852598 (VCV002852598.4), dbSNP rs1938702028, ClinGen allele CA384880430.

ClinVar aggregate classification (germline): Likely pathogenic. Review status: criteria provided, multiple submitters, no conflicts (2 of 4 stars). 2 submissions from 2 submitters: Likely pathogenic (2). Last evaluated 2025-12-11.

Conditions:
Early-infantile DEE. Also called: Ohtahara syndrome; Early infantile epileptic encephalopathy with suppression bursts; Early infantile epileptic encephalopathy. Identifiers: Orphanet 1934, MedGen C0393706, MONDO:0800491.
Seizures, benign familial infantile, 5 (BFIS5). Also called: CONVULSIONS, BENIGN FAMILIAL INFANTILE, 5. Identifiers: Orphanet 306, MedGen C4310728, MONDO:0014903, OMIM 617080.

Submissions (2):

Medical and Scientific Branch, Hong Kong Genome Institute
Classification: Likely pathogenic for Seizures, benign familial infantile, 5. Last evaluated: 2025-12-11. Review status: criteria provided, single submitter. Criteria: ACMG Guidelines, 2015. Collection method: clinical testing. Allele origin: de novo. Affected: yes.

Labcorp Genetics (formerly Invitae), Labcorp
Classification: Likely pathogenic for Early-infantile DEE. Last evaluated: 2023-04-06. Review status: criteria provided, single submitter. Criteria: Invitae Variant Classification Sherloc (09022015). Collection method: clinical testing. Allele origin: germline.
Comment: This sequence change replaces isoleucine, which is neutral and non-polar, with threonine, which is neutral and polar, at codon 1627 of the SCN8A protein (p.Ile1627Thr). This variant is not present in population databases (gnomAD no frequency). This variant has not been reported in the literature in individuals affected with SCN8A-related conditions. Advanced modeling of protein sequence and biophysical properties (such as structural, functional, and spatial information, amino acid conservation, physicochemical variation, residue mobility, and thermodynamic stability) performed at Invitae indicates that this missense variant is expected to disrupt SCN8A protein function. This variant disrupts the p.Ile1627 amino acid residue in SCN8A. Other variant(s) that disrupt this residue have been determined to be pathogenic (Invitae). This suggests that this residue is clinically significant, and that variants that disrupt this residue are likely to be disease-causing. In summary, the currently available evidence indicates that the variant is pathogenic, but additional data are needed to prove that conclusively. Therefore, this variant has been classified as Likely Pathogenic.